The following is an entry in ClinVar:

NM_006516.4(SLC2A1):c.1011C>T (p.His337=)

Gene: SLC2A1 (solute carrier family 2 member 1; minus strand). Cytogenetic location: 1p34.2.
Variant type: single nucleotide variant.
Coding change: c.1011C>T on transcript NM_006516.4 (MANE Select); coding-DNA position 1011, C replaced by T.
Protein change: p.His337=; no amino-acid change (histidine 337 retained).
Molecular consequence: synonymous variant.
Genome position (GRCh38, 1-based): chr1:42,928,995, G>A on the plus strand (C>T on the coding strand, the complement: SLC2A1 is on the minus strand). VCF-style: chr1-42928995-G-A. GRCh37 (hg19) VCF-style: chr1-43394666-G-A.
Other names: p.H337H:CAC>CAT; p.His337=; c.1011C>T (NM_006516.3).
Identifiers: ClinVar variation 95406 (VCV000095406.37), dbSNP rs2229681, ClinGen allele CA018974.

ClinVar aggregate classification (germline): Benign/Likely benign. Review status: criteria provided, multiple submitters, no conflicts (2 of 4 stars). 20 submissions from 15 submitters: Benign (15); Likely benign (1). 4 of the submissions do not count toward it. Last evaluated 2026-02-03.

Conditions:
Hereditary cryohydrocytosis with reduced stomatin. Also called: Stomatin-deficient cryohydrocytosis with neurologic defects; GLUT1 DEFICIENCY SYNDROME WITH PSEUDOHYPERKALEMIA AND HEMOLYSIS. Identifiers: Orphanet 168577, MedGen C1837206, MONDO:0012143, OMIM 608885.
Inborn genetic diseases. Identifiers: MedGen C0950123, MeSH D030342.
Epilepsy, idiopathic generalized, susceptibility to, 12 (EIG12). Identifiers: MedGen C3553859, MONDO:0013919, OMIM 614847.
Dystonia 9 (DYT9). Also called: CHOREOATHETOSIS, KINESIGENIC, WITH EPISODIC ATAXIA AND SPASTICITY. Identifiers: Orphanet 53583, MedGen C1832855, MONDO:0010983, OMIM 601042.
GLUT1 deficiency syndrome 1, autosomal recessive. Identifiers: MedGen C3149117.
Encephalopathy due to GLUT1 deficiency. Also called: GLUCOSE TRANSPORT DEFECT, BLOOD-BRAIN BARRIER; Classic Glucose Transporter Type 1 Deficiency Syndrome; De Vivo disease; GLUT1 deficiency syndrome 1; Glucose transporter protein syndrome; GLUT1 deficiency syndrome 1, infantile onset, severe. Identifiers: Orphanet 71277, MedGen C4551966, MONDO:0011724, OMIM 606777.
Childhood onset GLUT1 deficiency syndrome 2. Also called: Exertion-induced paroxysmal dyskinesia; PED WITH OR WITHOUT EPILEPSY AND/OR HEMOLYTIC ANEMIA; PAROXYSMAL EXERCISE-INDUCED DYSKINESIA WITH OR WITHOUT EPILEPSY AND/OR HEMOLYTIC ANEMIA; PAROXYSMAL EXERTION-INDUCED DYSTONIA WITH OR WITHOUT EPILEPSY AND/OR HEMOLYTIC ANEMIA; Paroxysmal exercise-induced dystonia; GLUT1 deficiency syndrome 2. Identifiers: Orphanet 98811, MedGen C1842534, MONDO:0012805, OMIM 612126.

Allele frequency attached by ClinVar (database versions not stated): ExAC 0.02566; TOPMed 0.07930; ESP Exome Variant Server 0.08096; 1000 Genomes Project 0.09245; 1000 Genomes Project 30x 0.09619.
gnomAD v4.1: 23,816 of 1,613,778 alleles (1.5%); highest among the groups gnomAD compares: African/African-American, 25%; 2,452 homozygotes.

Submissions (20):

Labcorp Genetics (formerly Invitae), Labcorp
Classification: Benign for GLUT1 deficiency syndrome 1, autosomal recessive. Last evaluated: 2026-02-03. Review status: criteria provided, single submitter. Criteria: Invitae Variant Classification Sherloc (09022015). Collection method: clinical testing. Allele origin: germline.

Blueprint Genetics
Classification: Likely benign. Last evaluated: 2024-11-26. Review status: criteria provided, single submitter. Criteria: ACMG Guidelines, 2015. Collection method: clinical testing. Allele origin: germline.

Genome-Nilou Lab
Classification: Benign for Epilepsy, idiopathic generalized, susceptibility to, 12. Last evaluated: 2023-04-11. Review status: criteria provided, single submitter. Criteria: ACMG Guidelines, 2015. Collection method: clinical testing. Allele origin: germline. Affected: no.

Genome-Nilou Lab
Classification: Benign for Dystonia 9. Last evaluated: 2023-04-11. Review status: criteria provided, single submitter. Criteria: ACMG Guidelines, 2015. Collection method: clinical testing. Allele origin: germline. Affected: no.

Genome-Nilou Lab
Classification: Benign for Encephalopathy due to GLUT1 deficiency. Last evaluated: 2023-04-11. Review status: criteria provided, single submitter. Criteria: ACMG Guidelines, 2015. Collection method: clinical testing. Allele origin: germline. Affected: no.

Genome-Nilou Lab
Classification: Benign for Childhood onset GLUT1 deficiency syndrome 2. Last evaluated: 2023-04-11. Review status: criteria provided, single submitter. Criteria: ACMG Guidelines, 2015. Collection method: clinical testing. Allele origin: germline. Affected: no.

Genome-Nilou Lab
Classification: Benign for Hereditary cryohydrocytosis with reduced stomatin. Last evaluated: 2023-04-11. Review status: criteria provided, single submitter. Criteria: ACMG Guidelines, 2015. Collection method: clinical testing. Allele origin: germline. Affected: no.

Mayo Clinic Laboratories, Mayo Clinic
Classification: Benign. Last evaluated: 2023-01-23. Review status: criteria provided, single submitter. Criteria: ACMG Guidelines, 2015. Collection method: clinical testing. Allele origin: germline. Observed: 287 variant alleles.

Illumina Laboratory Services, Illumina
Classification: Benign for Encephalopathy due to GLUT1 deficiency. Last evaluated: 2018-01-12. Review status: criteria provided, single submitter. Criteria: ICSL Variant Classification Criteria 13 December 2019. Collection method: clinical testing. Allele origin: germline.
Comment: This variant was observed in the ICSL laboratory as part of a predisposition screen in an ostensibly healthy population. It had not been previously curated by ICSL or reported in the Human Gene Mutation Database (HGMD: prior to June 1st, 2018), and was therefore a candidate for classification through an automated scoring system. Utilizing variant allele frequency, disease prevalence and penetrance estimates, and inheritance mode, an automated score was calculated to assess if this variant is too frequent to cause the disease. Based on the score and internal cut-off values, a variant classified as benign is not then subjected to further curation. The score for this variant resulted in a classification of benign for this disease.

Illumina Laboratory Services, Illumina
Classification: Benign for Dystonia 9. Last evaluated: 2018-01-12. Review status: criteria provided, single submitter. Criteria: ICSL Variant Classification Criteria 13 December 2019. Collection method: clinical testing. Allele origin: germline.
Comment: the same text as in the submission from Illumina Laboratory Services, Illumina above.

Ambry Genetics
Classification: Benign for Inborn genetic diseases. Last evaluated: 2016-02-25. Review status: criteria provided, single submitter. Criteria: Ambry Variant Classification Scheme 2023. Collection method: clinical testing. Allele origin: germline.

Eurofins Ntd Llc (ga)
Classification: Benign. Last evaluated: 2014-07-14. Review status: criteria provided, single submitter. Criteria: EGL Classification Definitions 2015. Collection method: clinical testing. Allele origin: germline. Observed: 7 variant alleles, 6 heterozygotes, 1 homozygote.

Genetic Services Laboratory, University of Chicago
Classification: Benign. Last evaluated: 2013-02-08. Review status: criteria provided, single submitter. Criteria: ACMG Guidelines, 2007. Collection method: clinical testing. Allele origin: germline. Inheritance: Autosomal dominant inheritance.

GeneDx
Classification: Benign. Last evaluated: 2012-03-22. Review status: criteria provided, single submitter. Criteria: GeneDx Variant Classification (06012015). Collection method: clinical testing. Allele origin: germline. Affected: yes.
Comment: This variant is considered likely benign or benign based on one or more of the following criteria: it is a conservative change, it occurs at a poorly conserved position in the protein, it is predicted to be benign by multiple in silico algorithms, and/or has population frequency not consistent with disease.

Breakthrough Genomics
Classification: Benign. Review status: criteria provided, single submitter. Criteria: ACMG Guidelines, 2015. Collection method: not provided. Allele origin: germline. Inheritance: Autosomal dominant inheritance. Affected: yes.

PreventionGenetics, part of Exact Sciences
Classification: Benign. Review status: criteria provided, single submitter. Criteria: ACMG Guidelines, 2015. Collection method: clinical testing. Allele origin: germline.

Clinical Genetics DNA and cytogenetics Diagnostics Lab, Erasmus MC, Erasmus Medical Center
Classification: Benign. Review status: no assertion criteria provided. Collection method: clinical testing. Allele origin: germline. Affected: yes. Study: VKGL Data-share Consensus. Not counted in ClinVar's aggregate classification.

Clinical Genetics, Academic Medical Center
Classification: Benign. Review status: no assertion criteria provided. Collection method: clinical testing. Allele origin: germline. Affected: yes. Study: VKGL Data-share Consensus. Not counted in ClinVar's aggregate classification.

Genome Diagnostics Laboratory, University Medical Center Utrecht
Classification: Benign. Review status: no assertion criteria provided. Collection method: clinical testing. Allele origin: germline. Affected: yes. Study: VKGL Data-share Consensus. Not counted in ClinVar's aggregate classification.

Joint Genome Diagnostic Labs from Nijmegen and Maastricht, Radboudumc and MUMC+
Classification: Benign. Review status: no assertion criteria provided. Collection method: clinical testing. Allele origin: germline. Affected: yes. Study: VKGL Data-share Consensus. Not counted in ClinVar's aggregate classification.